The following is an entry in ClinVar:

ClinVar aggregate classification (germline): Uncertain significance (1 of 4 stars; one submission).

Conditions:
Cardiovascular phenotype. Identifiers: MedGen CN230736.

Allele frequency attached by ClinVar (database versions not stated): gnomAD 0.00001.

Submission:

Ambry Genetics
Classification: Uncertain significance for Cardiovascular phenotype. Last evaluated: 2021-07-12. Review status: criteria provided, single submitter. Criteria: Ambry Variant Classification Scheme 2023. Collection method: clinical testing. Allele origin: germline.
Comment: The p.G975R variant (also known as c.2923G>A), located in coding exon 17 of the EPHB4 gene, results from a G to A substitution at nucleotide position 2923. The glycine at codon 975 is replaced by arginine, an amino acid with dissimilar properties. This amino acid position is conserved. In addition, this alteration is predicted to be tolerated by in silico analysis. Since supporting evidence is limited at this time, the clinical significance of this alteration remains unclear.

NM_004444.5(EPHB4):c.2923G>A (p.Gly975Arg)

Gene: EPHB4 (EPH receptor B4; minus strand). Cytogenetic location: 7q22.1.
Variant type: single nucleotide variant.
Coding change: c.2923G>A on transcript NM_004444.5 (MANE Select); coding-DNA position 2923, G replaced by A.
Protein change: p.Gly975Arg; replaces glycine 975 with arginine.
Molecular consequence: missense variant.
Genome position (GRCh38, 1-based): chr7:100,803,502, C>T on the plus strand (G>A on the coding strand, the complement: EPHB4 is on the minus strand). VCF-style: chr7-100803502-C-T. GRCh37 (hg19) VCF-style: chr7-100401124-C-T.
Other names: short protein forms G975R.
Identifiers: ClinVar variation 1797736 (VCV001797736.2), dbSNP rs1437430146, ClinGen allele CA368565971.